The following is an entry in ClinVar:

NM_000038.6(APC):c.2031_2034del (p.Ser678fs)

Gene: APC (APC regulator of Wnt signaling pathway; plus strand). Cytogenetic location: 5q22.2.
Variant type: Deletion.
Coding change: c.2031_2034del on transcript NM_000038.6 (MANE Select); coding-DNA positions 2031 to 2034, 4 bases deleted (CAGT; older notation c.2031_2034delCAGT).
Protein change: p.Ser678fs; shifts the reading frame from serine 678.
Molecular consequence: frameshift variant.
Genome position (GRCh38, 1-based): chr5:112,837,625-112,837,628, CAGT deleted; deleting any 4 consecutive bases within chr5:112,837,622-112,837,628 gives the same sequence; the c. name uses the placement nearest the transcript's 3' end. VCF-style (leftmost placement, unchanged base first): chr5-112837621-TAGTC-T. GRCh37 (hg19) VCF-style: chr5-112173318-TAGTC-T.
Other names: c.2031_2034del, p.Ser678fs (NM_001127510.3, NM_001354895.2); c.1977_1980del, p.Ser660fs (NM_001127511.3); c.2085_2088del, p.Ser696fs (NM_001354896.2); c.2061_2064del, p.Ser688fs (NM_001354897.2); c.1956_1959del, p.Ser653fs (NM_001354898.2); c.1947_1950del, p.Ser650fs (NM_001354899.2); c.1908_1911del, p.Ser637fs (NM_001354900.2); c.1854_1857del, p.Ser619fs (NM_001354901.2); and 5 more; short protein forms S577fs, S587fs, S395fs, S552fs, S619fs, S637fs, S650fs, S660fs.
Identifiers: ClinVar variation 236568 (VCV000236568.15), dbSNP rs878853422, ClinGen allele CA10582292.

ClinVar aggregate classification (germline): Pathogenic. Review status: criteria provided, multiple submitters, no conflicts (2 of 4 stars). 8 submissions from 7 submitters: Pathogenic (6). 2 of the submissions do not count toward it. Last evaluated 2025-06-25.

Conditions:
Carcinoma of colon (CRC). Also called: Colon carcinoma; Colonic carcinoma. Identifiers: MedGen C0699790, MONDO:0002032.
Hereditary cancer-predisposing syndrome. Also called: Hereditary neoplastic syndrome; Tumor predisposition; Neoplastic Syndromes, Hereditary; Hereditary Cancer Syndrome. Identifiers: Orphanet 140162, MedGen C0027672, MeSH D009386, MONDO:0015356.
Familial adenomatous polyposis 1 (FAP1). Also called: POLYPOSIS, ADENOMATOUS INTESTINAL; FAMILIAL ADENOMATOUS POLYPOSIS 1, ATTENUATED. Identifiers: MedGen C2713442, MONDO:0021056, OMIM 175100. Disease mechanism: loss of function.

Submissions (8):

GeneKor MSA
Classification: Pathogenic for Hereditary cancer-predisposing syndrome. Last evaluated: 2025-06-25. Review status: criteria provided, single submitter. Criteria: ACMG Guidelines, 2015. Collection method: clinical testing. Allele origin: germline.
Comment: This sequence change deletes 4 bases in exon 16 of the APC mRNA c.(2031_2034del), creating frameshift and a premature translational stop signal 39 aminoacid recidues later- p.(Ser678Metfs*39). It is expected to result in an absent or disrupted protein product, while truncating variants in APC are known to be pathogenic (PMID:17963004, 20685668). This variant is not present in population databases (rs878853422) and it has been observed in individuals with Familial Adenomatous Polyposis (FAP, PMID:17411426, 29901124). The mutation database ClinVar contains entries for this variant where is listed as pathogenic (VCV000236568.14). Based on the classification criteria set by the ACMG and AMP (PMID:25741868) this variant has been classified as pathogenic.

Labcorp Genetics (formerly Invitae), Labcorp
Classification: Pathogenic for Familial adenomatous polyposis 1. Last evaluated: 2023-12-05. Review status: criteria provided, single submitter. Criteria: Invitae Variant Classification Sherloc (09022015). Collection method: clinical testing. Allele origin: germline.
Comment: This sequence change creates a premature translational stop signal (p.Ser678Metfs*39) in the APC gene. While this is not anticipated to result in nonsense mediated decay, it is expected to disrupt the last 2166 amino acid(s) of the APC protein. This variant is not present in population databases (gnomAD no frequency). This premature translational stop signal has been observed in individual(s) with familial adenomatous polyposis (PMID: 17411426). It has also been observed to segregate with disease in related individuals. ClinVar contains an entry for this variant (Variation ID: 236568). This variant is expected to disrupt the EB1 and HDLG binding sites, which mediate interactions with the cytoskeleton (PMID: 15311282, 17293347). While functional studies have not been performed to directly test the effect on APC protein function, this suggests that disruption of the C-terminal portion of the protein is functionally important. A different truncation (p.Tyr2645Lysfs*14) that lies downstream of this variant has been determined to be pathogenic (PMID: 9824584, 1316610, 27081525, 8381579, 22135120, Invitae). This suggests that deletion of this region of the APC protein is causative of disease. For these reasons, this variant has been classified as Pathogenic.

Color Diagnostics, LLC DBA Color Health
Classification: Pathogenic for Hereditary cancer-predisposing syndrome. Last evaluated: 2023-07-17. Review status: criteria provided, single submitter. Criteria: ACMG Guidelines, 2015. Collection method: clinical testing. Allele origin: germline.
Comment: This variant deletes 4 nucleotides in exon 16 of the APC gene, creating a frameshift and premature translation stop signal in the last codon exon. This variant is predicted to escape nonsense-mediated decay and be expressed as a truncated protein, affecting several important domains in exon 16 including the armadillo region, basic domain, SAMP-repeats, and the beta-catenin, EB1, and HDLG binding domains (PMID: 11257105). This variant has been reported in several families affected with familial adenomatous polyposis or attenuated familial adenomatous polyposis (PMID: 17411426, 18393237, 29901124). This variant has not been identified in the general population by the Genome Aggregation Database (gnomAD). Loss of APC function is a known mechanism of disease. Based on the available evidence, this variant is classified as Pathogenic.

Myriad Genetics, Inc.
Classification: Pathogenic for Familial adenomatous polyposis 1. Last evaluated: 2023-05-03. Review status: criteria provided, single submitter. Criteria: Myriad Autosomal Dominant, Autosomal Recessive and X-Linked Classification Criteria (2023). Collection method: clinical testing. Allele origin: unknown.
Comment: This variant is considered pathogenic. This variant creates a frameshift predicted to result in premature protein truncation.

Ambry Genetics
Classification: Pathogenic for Hereditary cancer-predisposing syndrome. Last evaluated: 2023-03-02. Review status: criteria provided, single submitter. Criteria: Ambry Variant Classification Scheme 2023. Collection method: clinical testing. Allele origin: germline.
Comment: The c.2031_2034delCAGT pathogenic mutation, located in coding exon 15 of the APC gene, results from a deletion of 4 nucleotides at nucleotide positions 2031 to 2034, causing a translational frameshift with a predicted alternate stop codon (p.S678Mfs*39). This alteration has been reported in two Czech families with FAP or AFAP phenotype (Stekrova J et al. BMC Med. Genet., 2007 Apr;8:16). This alteration has also been reported in a Han Chinese family with FAP (Pang M et al. Mol Med Rep, 2018 Aug;18:1423-1432). In addition to the clinical data presented in the literature, this alteration is expected to result in loss of function by premature protein truncation. As such, this alteration is interpreted as a disease-causing mutation.

Quest Diagnostics Nichols Institute San Juan Capistrano
Classification: Pathogenic. Last evaluated: 2018-06-27. Review status: criteria provided, single submitter. Criteria: Quest Diagnostics criteria. Collection method: clinical testing. Allele origin: germline.

Department of Pathology and Laboratory Medicine, Sinai Health System
Classification: Pathogenic for Carcinoma of colon. Review status: no assertion criteria provided. Collection method: clinical testing. Allele origin: unknown. Affected: yes. Study: The Canadian Open Genetics Repository (COGR). Not counted in ClinVar's aggregate classification.
Comment: The p.Ser678MetfsX39 variant was identified in the literature in two families with familial adenomatous polyposis (both classic and attenuated phenotypes) (Strekova 2007). The variant was also identified in the HGMD, InSiGHT Colon Cancer Gene Variant Database, and the â€šÃ„ÃºZhejiang Colon Cancer Databaseâ€šÃ„Ã¹. The p.Ser678MetfsX39 deletion variant is predicted to cause a frameshift, which alters the protein's amino acid sequence beginning at codon 678 and leads to a premature stop codon 39 codons downstream. This alteration is then predicted to result in a truncated or absent protein and loss of function. Loss of function variants of the APC gene are an established mechanism of disease in familial adenomatous polyposis and is the type of variant expected to cause the disorder. Notably, this variant occurs in the last exon of the gene and stop codon (or nonsense) mutations in this region are not always subject to nonsense mediated RNA decay, although further study would be required to validate this hypothesis and it is currently not possible to determine whether or not this might influence the severity of the disorder. In summary, based on the above information, this variant meets our laboratoryâ€šÃ„Ã´s criteria to be classified as pathogenic.

Labcorp Genetics (formerly Invitae), Labcorp
Classification: Pathogenic for Familial adenomatous polyposis 1. Last evaluated: 2016-01-01. Review status: flagged submission. Criteria: Invitae Variant Classification Sherloc (09022015). Collection method: clinical testing. Allele origin: germline. Not counted in ClinVar's aggregate classification.
Comment: This sequence change deletes 4 nucleotides from exon 16 of the APC mRNA (c.2031_2034delCAGT), causing a frameshift at codon 678. This creates a premature translational stop signal in the last exon of the APC mRNA (p.Ser678Metfs*39). While this is not anticipated to result in nonsense mediated decay, it is expected to result in a truncated APC protein with more than 2100 amino acid residues (75%) deleted. Truncating variants in APC are known to be pathogenic. This particular truncation has been reported in the literature in individuals with familial adenomatous polyposis (PMID: 17411426). For these reasons, this variant has been classified as Pathogenic.
ClinVar note: Reason: This record appears to be redundant with a more recent record from the same submitter.
ClinVar note: Notes: SCV000282710 appears to be redundant with SCV002121791.

Literature cited by the submitters: PubMed 17963004 (cited by GeneKor MSA); PubMed 20685668 (cited by GeneKor MSA); PubMed 17411426 (cited by 4 submitters); PubMed 29901124 (cited by 3 submitters); PubMed 15311282 (cited by Labcorp Genetics (formerly Invitae), Labcorp); PubMed 17293347 (cited by Labcorp Genetics (formerly Invitae), Labcorp); PubMed 9824584 (cited by Labcorp Genetics (formerly Invitae), Labcorp); PubMed 1316610 (cited by Labcorp Genetics (formerly Invitae), Labcorp); PubMed 27081525 (cited by Labcorp Genetics (formerly Invitae), Labcorp); PubMed 8381579 (cited by Labcorp Genetics (formerly Invitae), Labcorp); PubMed 22135120 (cited by Labcorp Genetics (formerly Invitae), Labcorp); PubMed 11257105 (cited by Color Diagnostics, LLC DBA Color Health); PubMed 18393237 (cited by Color Diagnostics, LLC DBA Color Health and Ambry Genetics).